The following is an entry in ClinVar:

ClinVar aggregate classification (germline): Uncertain significance. Review status: criteria provided, multiple submitters, no conflicts (2 of 4 stars). 4 submissions from 4 submitters: Uncertain significance (4). Last evaluated 2025-12-23.

Conditions:
Malignant hyperthermia, susceptibility to, 1 (MHS1). Also called: Anesthesia related hyperthermia; Malignant hyperpyrexia; Fulminating hyperpyrexia; Pharmacogenic myopathy; RYR1-Related Malignant Hyperthermia Susceptibility; Malignant hyperthermia suceptibility 1. Identifiers: Orphanet 423, MedGen C2930980, MONDO:0007783, OMIM 145600.
RYR1-related disorder. Also called: RYR1-related condition; RYR1-related disorders. Identifiers: MedGen CN239331.

gnomAD v4.1: 1 of 1,614,172 alleles (0.000062%); highest among the groups gnomAD compares: Non-Finnish European, 0.000085%; no homozygotes.

Submissions (4):

Labcorp Genetics (formerly Invitae), Labcorp
Classification: Uncertain significance for RYR1-related disorder. Last evaluated: 2025-12-23. Review status: criteria provided, single submitter. Criteria: Invitae Variant Classification Sherloc (09022015). Collection method: clinical testing. Allele origin: germline.
Comment: This sequence change replaces arginine, which is basic and polar, with leucine, which is neutral and non-polar, at codon 4723 of the RYR1 protein (p.Arg4723Leu). This variant is not present in population databases (gnomAD no frequency). This variant has not been reported in the literature in individuals affected with RYR1-related conditions. ClinVar contains an entry for this variant (Variation ID: 3075343). Invitae Evidence Modeling of protein sequence and biophysical properties (such as structural, functional, and spatial information, amino acid conservation, physicochemical variation, residue mobility, and thermodynamic stability) has been performed for this missense variant. However, the output from this modeling did not meet the statistical confidence thresholds required to predict the impact of this variant on RYR1 protein function. In summary, the available evidence is currently insufficient to determine the role of this variant in disease. Therefore, it has been classified as a Variant of Uncertain Significance.

Color Diagnostics, LLC DBA Color Health
Classification: Uncertain significance for Malignant hyperthermia, susceptibility to, 1. Last evaluated: 2025-07-09. Review status: criteria provided, single submitter. Criteria: ACMG Guidelines, 2015. Collection method: clinical testing. Allele origin: germline.
Comment: This missense variant replaces arginine with leucine at codon 4723 of the RYR1 protein. Computational prediction is inconclusive about the impact of this variant on protein structure and function. To our knowledge, functional studies have not been reported for this variant. This variant has not been reported in individuals affected with RYR1-related disorders in the literature. This variant has not been identified in the general population by the Genome Aggregation Database (gnomAD). The available evidence is insufficient to determine the role of this variant in disease conclusively. Therefore, this variant is classified as a Variant of Uncertain Significance.

Dasa
Classification: Uncertain significance. Last evaluated: 2025-02-03. Review status: criteria provided, single submitter. Criteria: DASA Assertion Criteria. Collection method: clinical testing. Allele origin: germline.
Comment: NM_000540.3(RYR1):c.14168G>T (p.Arg4723Leu) is a missense variant that results in the substitution of arginine with leucine. This variant is rare in population databases. Computational prediction algorithms are consistent with a deleterious effect. The currently available literature and clinical evidence are not sufficient to establish a definitive association between this variant and the reported condition. Therefore, this variant is classified as a variant of uncertain significance.

All of Us Research Program, National Institutes of Health
Classification: Uncertain significance for Malignant hyperthermia, susceptibility to, 1. Last evaluated: 2024-01-11. Review status: criteria provided, single submitter. Criteria: ACMG Guidelines, 2015. Collection method: clinical testing. Allele origin: germline. Inheritance: Autosomal dominant inheritance. Observed: 1 variant allele, 1 heterozygote.
Comment: This study involves interpretation of variants in research participants for the purpose of population health screening. Participant phenotype was not available at the time of variant classification. Additional details can be found in publication PMID: 35346344, PMCID: PMC8962531

NM_000540.3(RYR1):c.14168G>T (p.Arg4723Leu)

Gene: RYR1 (ryanodine receptor 1; plus strand). Cytogenetic location: 19q13.2.
Variant type: single nucleotide variant.
Coding change: c.14168G>T on transcript NM_000540.3 (MANE Select); coding-DNA position 14168, G replaced by T.
Protein change: p.Arg4723Leu; replaces arginine 4723 with leucine.
Molecular consequence: missense variant.
Genome position (GRCh38, 1-based): chr19:38,575,957, G>T. VCF-style: chr19-38575957-G-T. GRCh37 (hg19) VCF-style: chr19-39066597-G-T.
Other names: c.14153G>T, p.Arg4718Leu (NM_001042723.2); short protein forms R4718L, R4723L.
Identifiers: ClinVar variation 3075343 (VCV003075343.4), dbSNP rs200766617, ClinGen allele CA405683386.